The following is an entry in ClinVar:

NM_000399.5(EGR2):c.53del (p.Val18fs)

Gene: EGR2 (early growth response 2; minus strand). Cytogenetic location: 10q21.3.
Variant type: Deletion.
Coding change: c.53del on transcript NM_000399.5 (MANE Select); coding-DNA position 53, one base deleted (T; older notation c.53delT).
Protein change: p.Val18fs; shifts the reading frame from valine 18.
Molecular consequence: frameshift variant. On other transcripts: intron variant (3).
Genome position (GRCh38, 1-based): chr10:62,815,977, A deleted on the plus strand (T on the coding strand, the reverse complement: EGR2 is on the minus strand). VCF-style (leftmost placement, unchanged base first): chr10-62815976-CA-C. GRCh37 (hg19) VCF-style: chr10-64575736-CA-C.
Other names: c.53del, p.Val18fs (NM_001136177.3, NM_001136178.2); c.100-8del (NM_001410931.1); c.-90-8del (NM_001321037.2, NM_001136179.3); short protein forms V18fs.
Identifiers: ClinVar variation 3906033 (VCV003906033.10).

ClinVar aggregate classification (germline): Uncertain significance (1 of 4 stars; one submission).

Submission:

CeGaT Center for Human Genetics Tuebingen
Classification: Uncertain significance. Last evaluated: 2025-06-01. Review status: criteria provided, single submitter. Criteria: CeGaT Center For Human Genetics Tuebingen Variant Classification Criteria Version 2. Collection method: clinical testing. Allele origin: germline. Affected: yes. Observed: 1 variant allele.
Comment: EGR2: PM2